The following is an entry in ClinVar:

NM_001267550.2(TTN):c.85096G>A (p.Val28366Ile)

Genes: TTN (titin; minus strand), TTN-AS1 (TTN antisense RNA 1; plus strand). Cytogenetic location: 2q31.2.
Variant type: single nucleotide variant.
Coding change: c.85096G>A on transcript NM_001267550.2 (MANE Select); coding-DNA position 85096, G replaced by A.
Protein change: p.Val28366Ile; replaces valine 28366 with isoleucine.
Molecular consequence: missense variant.
Genome position (GRCh38, 1-based): chr2:178,561,036, C>T on the plus strand (G>A on the coding strand, the complement: TTN is on the minus strand). VCF-style: chr2-178561036-C-T. GRCh37 (hg19) VCF-style: chr2-179425763-C-T.
Other names: c.80173G>A, p.Val26725Ile (NM_001256850.1); c.57901G>A, p.Val19301Ile (NM_003319.4); c.77392G>A, p.Val25798Ile (NM_133378.4); c.58276G>A, p.Val19426Ile (NM_133432.3); c.58477G>A, p.Val19493Ile (NM_133437.4); short protein forms V19301I, V19426I, V19493I, V25798I, V26725I, V28366I.
Identifiers: ClinVar variation 1204701 (VCV001204701.6), dbSNP rs367800789, ClinGen allele CA1988693.

ClinVar aggregate classification (germline): Conflicting classifications of pathogenicity. Review status: criteria provided, conflicting classifications (1 of 4 stars). 3 submissions from 3 submitters: Uncertain significance (1); Likely benign (2). Last evaluated 2021-11-03.

Conditions:
Cardiovascular phenotype. Identifiers: MedGen CN230736.

Allele frequency attached by ClinVar (database versions not stated): gnomAD 0.00001; ExAC 0.00002; gnomAD exomes 0.00003 and 0.00004; TOPMed 0.00003; ESP Exome Variant Server 0.00008.
gnomAD v4.1: 59 of 1,613,730 alleles (0.0037%); highest among the groups gnomAD compares: South Asian, 0.0099%; no homozygotes.

Submissions (3):

Blueprint Genetics
Classification: Likely benign. Last evaluated: 2021-11-03. Review status: criteria provided, single submitter. Criteria: ACMG Guidelines, 2015. Collection method: clinical testing. Allele origin: germline.

GeneDx
Classification: Likely benign. Last evaluated: 2020-11-10. Review status: criteria provided, single submitter. Criteria: GeneDx Variant Classification Process June 2021. Collection method: clinical testing. Allele origin: germline. Affected: yes.

Ambry Genetics
Classification: Uncertain significance for Cardiovascular phenotype. Last evaluated: 2018-12-27. Review status: criteria provided, single submitter. Criteria: Ambry Variant Classification Scheme 2023. Collection method: clinical testing. Allele origin: germline.
Comment: The p.V19301I variant (also known as c.57901G>A), located in coding exon 153 of the TTN gene, results from a G to A substitution at nucleotide position 57901. The valine at codon 19301 is replaced by isoleucine, an amino acid with highly similar properties. This amino acid position is not well conserved in available vertebrate species, and isoleucine is the reference amino acid in other vertebrate species. In addition, this alteration is predicted to be tolerated by in silico analysis. Since supporting evidence is limited at this time, the clinical significance of this alteration remains unclear.